The following is an entry in ClinVar:

ClinVar aggregate classification (germline): Uncertain significance. Review status: criteria provided, multiple submitters, no conflicts (2 of 4 stars). 2 submissions from 2 submitters: Uncertain significance (2). Last evaluated 2025-12-14.

Conditions:
Cardiovascular phenotype. Identifiers: MedGen CN230736.
Hereditary hemorrhagic telangiectasia (HHT). Also called: ORW DISEASE; Osler Weber Rendu syndrome; OSLER-RENDU-WEBER DISEASE; Osler hemorrhagic telangiectasia syndrome. Identifiers: Orphanet 774, MedGen C0039445, MONDO:0019180. Disease mechanism: loss of function.

Allele frequency attached by ClinVar (database versions not stated): gnomAD 0.00001; TOPMed below 0.00001.
gnomAD v4.1: 2 of 1,613,132 alleles (0.00012%); highest among the groups gnomAD compares: Non-Finnish European, 0.00017%; no homozygotes.

Submissions (2):

Ambry Genetics
Classification: Uncertain significance for Cardiovascular phenotype. Last evaluated: 2025-12-14. Review status: criteria provided, single submitter. Criteria: Ambry Variant Classification Scheme 2023. Collection method: clinical testing. Allele origin: germline.
Comment: The p.Y277C variant (also known as c.830A>G), located in coding exon 7 of the ENG gene, results from an A to G substitution at nucleotide position 830. The tyrosine at codon 277 is replaced by cysteine, an amino acid with highly dissimilar properties. This amino acid position is conserved. In addition, the in silico prediction for this alteration is inconclusive. Based on the available evidence, the clinical significance of this variant remains unclear.

Labcorp Genetics (formerly Invitae), Labcorp
Classification: Uncertain significance for Hereditary hemorrhagic telangiectasia. Last evaluated: 2022-02-27. Review status: criteria provided, single submitter. Criteria: Invitae Variant Classification Sherloc (09022015). Collection method: clinical testing. Allele origin: germline.
Comment: In summary, the available evidence is currently insufficient to determine the role of this variant in disease. Therefore, it has been classified as a Variant of Uncertain Significance. Advanced modeling of protein sequence and biophysical properties (such as structural, functional, and spatial information, amino acid conservation, physicochemical variation, residue mobility, and thermodynamic stability) performed at Invitae indicates that this missense variant is expected to disrupt ENG protein function. This variant has not been reported in the literature in individuals affected with ENG-related conditions. This variant is not present in population databases (gnomAD no frequency). This sequence change replaces tyrosine, which is neutral and polar, with cysteine, which is neutral and slightly polar, at codon 277 of the ENG protein (p.Tyr277Cys).

NM_001114753.3(ENG):c.830A>G (p.Tyr277Cys)

Gene: ENG (endoglin; minus strand). Cytogenetic location: 9q34.11.
Variant type: single nucleotide variant.
Coding change: c.830A>G on transcript NM_001114753.3 (MANE Select); coding-DNA position 830, A replaced by G.
Protein change: p.Tyr277Cys; replaces tyrosine 277 with cysteine.
Molecular consequence: missense variant.
Genome position (GRCh38, 1-based): chr9:127,824,961, T>C on the plus strand (A>G on the coding strand, the complement: ENG is on the minus strand). VCF-style: chr9-127824961-T-C. GRCh37 (hg19) VCF-style: chr9-130587240-T-C.
Other names: c.830A>G, p.Tyr277Cys (NM_000118.4, NM_001406715.1); c.284A>G, p.Tyr95Cys (NM_001278138.2); c.830A>G (NM_001114753.1); short protein forms Y277C, Y95C.
Identifiers: ClinVar variation 1903884 (VCV001903884.6), dbSNP rs1369272469, ClinGen allele CA374982825.